The following is an entry in ClinVar:

NC_000017.10:g.(?_29585352)_(29585530_?)del

Gene: NF1 (neurofibromin 1; plus strand). Cytogenetic location: 17q11.2.
Variant type: Deletion.
Identifiers: ClinVar variation 1454779 (VCV001454779.4).

ClinVar aggregate classification (germline): Pathogenic (1 of 4 stars; one submission).

Conditions:
Neurofibromatosis, type 1 (NF1). Also called: Neurofibromatosis, type I; VON RECKLINGHAUSEN DISEASE; NEUROFIBROMATOSIS, TYPE I, SOMATIC; Peripheral type neurofibromatosis. Identifiers: Orphanet 636, MedGen C0027831, MONDO:0018975, OMIM 162200. Disease mechanism: loss of function.

Submission:

Labcorp Genetics (formerly Invitae), Labcorp
Classification: Pathogenic for Neurofibromatosis, type 1. Last evaluated: 2023-10-23. Review status: criteria provided, single submitter. Criteria: Invitae Variant Classification Sherloc (09022015). Collection method: clinical testing. Allele origin: germline.
Comment: This variant is a gross deletion of the genomic region encompassing exon(s) 31 of the NF1 gene. This variant would be expected to be in-frame, preserving the integrity of the reading frame. A similar copy number variant has been observed in individual(s) with neurofibromatosis type 1 (PMID: 16283621). This variant disrupts a region of the NF1 protein in which other variant(s) (p.Leu1390Phe) have been determined to be pathogenic (PMID: 19845691; Invitae). This suggests that this is a clinically significant region of the protein, and that variants that disrupt it are likely to be disease-causing. For these reasons, this variant has been classified as Pathogenic.

Literature cited by the submitters: PubMed 16283621; PubMed 19845691.